The following is an entry in ClinVar:

ClinVar aggregate classification (germline): Uncertain significance. Review status: criteria provided, multiple submitters, no conflicts (2 of 4 stars). 2 submissions from 2 submitters: Uncertain significance (2). Last evaluated 2024-05-14.

Conditions:
Inborn genetic diseases. Identifiers: MedGen C0950123, MeSH D030342.

Allele frequency attached by ClinVar (database versions not stated): ExAC 0.00001; gnomAD exomes 0.00001.
gnomAD v4.1: 3 of 1,586,388 alleles (0.00019%); highest among the groups gnomAD compares: Admixed American, 0.0053%; no homozygotes.

Submissions (2):

Ambry Genetics
Classification: Uncertain significance for Inborn genetic diseases. Last evaluated: 2024-05-14. Review status: criteria provided, single submitter. Criteria: Ambry Variant Classification Scheme 2023. Collection method: clinical testing. Allele origin: germline.

GeneDx
Classification: Uncertain significance. Last evaluated: 2018-05-11. Review status: criteria provided, single submitter. Criteria: GeneDx Variant Classification (06012015). Collection method: clinical testing. Allele origin: germline. Affected: yes.
Comment: The T290P variant in the HPS4 gene has not been reported previously as a pathogenic variant, nor as a benign variant, to our knowledge. The T290P variant is observed in 3/30868 (0.0097%) alleles from individuals of Latino background, in large population cohorts (Lek et al., 2016). The T290P variant is a non-conservative amino acid substitution, which is likely to impact secondary protein structure as these residues differ in polarity, charge, size and/or other properties. In-silico analyses, including protein predictors and evolutionary conservation, support that this variant does not alter protein structure/function. We interpret T290P as a variant of uncertain significance.

NM_022081.6(HPS4):c.868A>C (p.Thr290Pro)

Gene: HPS4 (HPS4 biogenesis of lysosomal organelles complex 3 subunit 2; minus strand). Cytogenetic location: 22q12.1.
Variant type: single nucleotide variant.
Coding change: c.868A>C on transcript NM_022081.6 (MANE Select); coding-DNA position 868, A replaced by C.
Protein change: p.Thr290Pro; replaces threonine 290 with proline.
Molecular consequence: missense variant. On other transcripts: non-coding transcript variant (8).
Genome position (GRCh38, 1-based): chr22:26,464,762, T>G on the plus strand (A>C on the coding strand, the complement: HPS4 is on the minus strand). VCF-style: chr22-26464762-T-G. GRCh37 (hg19) VCF-style: chr22-26860728-T-G.
Other names: c.868A>C, p.Thr290Pro (NM_001349896.1, NM_001349898.2, NM_001349899.2 and 4 more transcripts); c.922A>C, p.Thr308Pro (NM_001349900.2, NM_001349901.1); c.853A>C, p.Thr285Pro (NM_152841.2); c.868A>C (NM_022081.4); short protein forms T285P, T290P, T308P.
Identifiers: ClinVar variation 546253 (VCV000546253.3), dbSNP rs765459737, ClinGen allele CA10163453.